The following is an entry in ClinVar:

NM_015450.3(POT1):c.360C>A (p.Ser120Arg)

Gene: POT1 (protection of telomeres 1; minus strand). Cytogenetic location: 7q31.33.
Variant type: single nucleotide variant.
Coding change: c.360C>A on transcript NM_015450.3 (MANE Select); coding-DNA position 360, C replaced by A.
Protein change: p.Ser120Arg; replaces serine 120 with arginine.
Molecular consequence: missense variant. On other transcripts: 5 prime UTR variant (1), non-coding transcript variant (3).
Genome position (GRCh38, 1-based): chr7:124,863,536, G>T on the plus strand (C>A on the coding strand, the complement: POT1 is on the minus strand). VCF-style: chr7-124863536-G-T. GRCh37 (hg19) VCF-style: chr7-124503590-G-T.
Other names: c.-34C>A (NM_001042594.2); short protein forms S120R.
Identifiers: ClinVar variation 1733192 (VCV001733192.2), dbSNP rs2485480807, ClinGen allele CA369059880.

ClinVar aggregate classification (germline): Uncertain significance (1 of 4 stars; one submission).

Conditions:
Hereditary cancer-predisposing syndrome. Also called: Neoplastic Syndromes, Hereditary; Tumor predisposition; Hereditary Cancer Syndrome; Hereditary neoplastic syndrome. Identifiers: Orphanet 140162, MedGen C0027672, MeSH D009386, MONDO:0015356.

Submission:

Ambry Genetics
Classification: Uncertain significance for Hereditary cancer-predisposing syndrome. Last evaluated: 2020-09-04. Review status: criteria provided, single submitter. Criteria: Ambry Variant Classification Scheme 2023. Collection method: clinical testing. Allele origin: germline.
Comment: The p.S120R variant (also known as c.360C>A), located in coding exon 4 of the POT1 gene, results from a C to A substitution at nucleotide position 360. The serine at codon 120 is replaced by arginine, an amino acid with dissimilar properties. This amino acid position is well conserved in available vertebrate species. In addition, this alteration is predicted to be tolerated by in silico analysis. Since supporting evidence is limited at this time, the clinical significance of this alteration remains unclear.